The following is an entry in ClinVar:

ClinVar aggregate classification (germline): Conflicting classifications of pathogenicity. Review status: criteria provided, conflicting classifications (1 of 4 stars). 2 submissions from 2 submitters: Uncertain significance (1); Likely benign (1). Last evaluated 2026-04-01.

Conditions:
Cardiovascular phenotype. Identifiers: MedGen CN230736.

Allele frequency attached by ClinVar (database versions not stated): gnomAD 0.00002; gnomAD exomes below 0.00001; ExAC 0.00001.
gnomAD v4.1: 7 of 1,542,282 alleles (0.00045%); highest among the groups gnomAD compares: South Asian, 0.0039%; no homozygotes.

Submissions (2):

Ambry Genetics
Classification: Likely benign for Cardiovascular phenotype. Last evaluated: 2026-04-01. Review status: criteria provided, single submitter. Criteria: Ambry Variant Classification Scheme 2023. Collection method: clinical testing. Allele origin: germline.

GeneDx
Classification: Uncertain significance. Last evaluated: 2022-04-07. Review status: criteria provided, single submitter. Criteria: GeneDx Variant Classification Process June 2021. Collection method: clinical testing. Allele origin: germline. Affected: yes.
Comment: Has not been previously published as pathogenic or benign to our knowledge; Not observed at significant frequency in large population cohorts (gnomAD); In silico analysis supports that this missense variant does not alter protein structure/function

NM_001010874.5(TECRL):c.824A>G (p.Asn275Ser)

Gene: TECRL (trans-2,3-enoyl-CoA reductase like; minus strand). Cytogenetic location: 4q13.1.
Variant type: single nucleotide variant.
Coding change: c.824A>G on transcript NM_001010874.5 (MANE Select); coding-DNA position 824, A replaced by G.
Protein change: p.Asn275Ser; replaces asparagine 275 with serine.
Molecular consequence: missense variant.
Genome position (GRCh38, 1-based): chr4:64,289,718, T>C on the plus strand (A>G on the coding strand, the complement: TECRL is on the minus strand). VCF-style: chr4-64289718-T-C. GRCh37 (hg19) VCF-style: chr4-65155436-T-C.
Other names: c.824A>G, p.Asn275Ser (NM_001363796.1); short protein forms N275S.
Identifiers: ClinVar variation 1708640 (VCV001708640.5), dbSNP rs767154982, ClinGen allele CA2935352.
Genomic context (GRCh38, chr4:64,289,718, plus strand): 5'-TAATTGTTAACATAATTCACTCTAAAGAAAAGAAAAAGAAAAAAGAACTAACCTGTGTGA[T>C]TGGGATGAGACAACATTACATTGATGAAATGATTCCCAGCTTCACAAATCTGCAAAACAT-3'
Protein context (NP_001010874.2, residues 265-285): HFINVMLSHP[Asn275Ser]HTGNNACFPS